The following is an entry in ClinVar:

NM_016151.4(TAOK2):c.2102C>T (p.Thr701Met)

Gene: TAOK2 (TAO kinase 2; plus strand). Cytogenetic location: 16p11.2.
Variant type: single nucleotide variant.
Coding change: c.2102C>T on transcript NM_016151.4 (MANE Select); coding-DNA position 2102, C replaced by T.
Protein change: p.Thr701Met; replaces threonine 701 with methionine.
Molecular consequence: missense variant.
Genome position (GRCh38, 1-based): chr16:29,986,374, C>T. VCF-style: chr16-29986374-C-T. GRCh37 (hg19) VCF-style: chr16-29997695-C-T.
Other names: c.2102C>T, p.Thr701Met (NM_001252043.2, NM_004783.4); short protein forms T701M.
Identifiers: ClinVar variation 1370194 (VCV001370194.8), dbSNP rs773999686, ClinGen allele CA7998313.

ClinVar aggregate classification (germline): Uncertain significance (1 of 4 stars; one submission).

Allele frequency attached by ClinVar (database versions not stated): ExAC 0.00003; gnomAD exomes 0.00003 and 0.00004; TOPMed 0.00003.

Submission:

Labcorp Genetics (formerly Invitae), Labcorp
Classification: Uncertain significance. Last evaluated: 2025-06-15. Review status: criteria provided, single submitter. Criteria: Invitae Variant Classification Sherloc (09022015). Collection method: clinical testing. Allele origin: germline.
Comment: This sequence change replaces threonine, which is neutral and polar, with methionine, which is neutral and non-polar, at codon 701 of the TAOK2 protein (p.Thr701Met). This variant is present in population databases (rs773999686, gnomAD 0.02%). This variant has not been reported in the literature in individuals affected with TAOK2-related conditions. ClinVar contains an entry for this variant (Variation ID: 1370194). An algorithm developed to predict the effect of missense changes on protein structure and function (PolyPhen-2) suggests that this variant is likely to be tolerated. In summary, the available evidence is currently insufficient to determine the role of this variant in disease. Therefore, it has been classified as a Variant of Uncertain Significance.